The following is an entry in ClinVar:

NM_017827.4(SARS2):c.1423G>A (p.Val475Met)

Gene: SARS2 (seryl-tRNA synthetase 2, mitochondrial; minus strand). Cytogenetic location: 19q13.2.
Variant type: single nucleotide variant.
Coding change: c.1423G>A on transcript NM_017827.4 (MANE Select); coding-DNA position 1423, G replaced by A.
Protein change: p.Val475Met; replaces valine 475 with methionine.
Molecular consequence: missense variant.
Genome position (GRCh38, 1-based): chr19:38,915,740, C>T on the plus strand (G>A on the coding strand, the complement: SARS2 is on the minus strand). VCF-style: chr19-38915740-C-T. GRCh37 (hg19) VCF-style: chr19-39406380-C-T.
Other names: c.1429G>A, p.Val477Met (NM_001145901.2); short protein forms V475M, V477M.
Identifiers: ClinVar variation 1399176 (VCV001399176.8), dbSNP rs1394119708, ClinGen allele CA405735415.

ClinVar aggregate classification (germline): Uncertain significance (1 of 4 stars; one submission).

Submission:

Labcorp Genetics (formerly Invitae), Labcorp
Classification: Uncertain significance. Last evaluated: 2022-07-12. Review status: criteria provided, single submitter. Criteria: Invitae Variant Classification Sherloc (09022015). Collection method: clinical testing. Allele origin: germline.
Comment: This variant is not present in population databases (gnomAD no frequency). This sequence change replaces valine, which is neutral and non-polar, with methionine, which is neutral and non-polar, at codon 475 of the SARS2 protein (p.Val475Met). This variant has not been reported in the literature in individuals affected with SARS2-related conditions. ClinVar contains an entry for this variant (Variation ID: 1399176). Algorithms developed to predict the effect of missense changes on protein structure and function are either unavailable or do not agree on the potential impact of this missense change (SIFT: "Deleterious"; PolyPhen-2: "Probably Damaging"; Align-GVGD: "Class C0"). Algorithms developed to predict the effect of sequence changes on RNA splicing suggest that this variant may create or strengthen a splice site. In summary, the available evidence is currently insufficient to determine the role of this variant in disease. Therefore, it has been classified as a Variant of Uncertain Significance.